The following is an entry in ClinVar:

ClinVar aggregate classification (germline): Uncertain significance (1 of 4 stars; one submission).

Conditions:
Familial thoracic aortic aneurysm and aortic dissection (TAAD). Also called: Thoracic aortic aneurysms and dissections. Identifiers: Orphanet 91387, MedGen C4707243, MONDO:0019625.

Allele frequency attached by ClinVar (database versions not stated): gnomAD exomes below 0.00001.
gnomAD v4.1: 1 of 1,614,192 alleles (0.000062%); highest among the groups gnomAD compares: Non-Finnish European, 0.000085%; no homozygotes.

Submission:

Ambry Genetics
Classification: Uncertain significance for Familial thoracic aortic aneurysm and aortic dissection. Last evaluated: 2023-05-01. Review status: criteria provided, single submitter. Criteria: Ambry Variant Classification Scheme 2023. Collection method: clinical testing. Allele origin: germline.
Comment: The p.L253S variant (also known as c.758T>C), located in coding exon 6 of the MYLK gene, results from a T to C substitution at nucleotide position 758. The leucine at codon 253 is replaced by serine, an amino acid with dissimilar properties. This amino acid position is conserved. In addition, this alteration is predicted to be tolerated by in silico analysis. Since supporting evidence is limited at this time, the clinical significance of this alteration remains unclear.

NM_053025.4(MYLK):c.758T>C (p.Leu253Ser)

Gene: MYLK (myosin light chain kinase; minus strand). Cytogenetic location: 3q21.1.
Variant type: single nucleotide variant.
Coding change: c.758T>C on transcript NM_053025.4 (MANE Select); coding-DNA position 758, T replaced by C.
Protein change: p.Leu253Ser; replaces leucine 253 with serine.
Molecular consequence: missense variant.
Genome position (GRCh38, 1-based): chr3:123,735,413, A>G on the plus strand (T>C on the coding strand, the complement: MYLK is on the minus strand). VCF-style: chr3-123735413-A-G. GRCh37 (hg19) VCF-style: chr3-123454260-A-G.
Other names: c.230T>C, p.Leu77Ser (NM_001321309.2); c.758T>C, p.Leu253Ser (NM_053026.4, NM_053027.4, NM_053028.4); short protein forms L253S, L77S.
Identifiers: ClinVar variation 2567250 (VCV002567250.2), dbSNP rs2474585270, ClinGen allele CA354240235.